The following is an entry in ClinVar:

ClinVar aggregate classification (germline): Likely benign (0 of 4 stars; one submission).

Conditions:
PIWIL1-related disorder. Also called: PIWIL1-related condition.

Allele frequency attached by ClinVar (database versions not stated): 1000 Genomes Project 30x 0.00031; 1000 Genomes Project 0.00040; TOPMed 0.00060; gnomAD exomes 0.00066; ExAC 0.00078; ESP Exome Variant Server 0.00092; gnomAD 0.00096.
gnomAD v4.1: 1,093 of 1,613,728 alleles (0.068%); highest among the groups gnomAD compares: Non-Finnish European, 0.078%; no homozygotes.

Submission:

PreventionGenetics, part of Exact Sciences
Classification: Likely benign for PIWIL1-related condition. Last evaluated: 2019-09-11. Review status: no assertion criteria provided. Collection method: clinical testing. Allele origin: germline.
Comment: This variant is classified as likely benign based on ACMG/AMP sequence variant interpretation guidelines (Richards et al. 2015 PMID: 25741868, with internal and published modifications).

NM_004764.5(PIWIL1):c.345C>T (p.Ser115=)

Gene: PIWIL1 (piwi like RNA-mediated gene silencing 1; plus strand). Cytogenetic location: 12q24.33.
Variant type: single nucleotide variant.
Coding change: c.345C>T on transcript NM_004764.5 (MANE Select); coding-DNA position 345, C replaced by T.
Protein change: p.Ser115=; no amino-acid change (serine 115 retained).
Molecular consequence: synonymous variant.
Genome position (GRCh38, 1-based): chr12:130,346,398, C>T. VCF-style: chr12-130346398-C-T. GRCh37 (hg19) VCF-style: chr12-130830943-C-T.
Other names: c.345C>T, p.Ser115= (NM_001190971.2).
Identifiers: ClinVar variation 3040379 (VCV003040379.2), dbSNP rs145821284, ClinGen allele CA6876963.
Genomic context (GRCh38, chr12:130,346,398, plus strand): 5'-TTTTGTTAATTGACTATAACTTCCTTTTCCAGGTTCTTCAGGCATTATAGTAAGGTTAAG[C>T]ACTAACCATTTCCGGCTGACATCCCGTCCCCAGTGGGCCTTATATCAGTATCACATTGAC-3'
Protein context (NP_004755.2, residues 105-125): TGSSGIIVRL[Ser115=]TNHFRLTSRP